The following is an entry in ClinVar:

NM_017849.4(TMEM127):c.704C>T (p.Ala235Val)

Gene: TMEM127 (transmembrane protein 127; minus strand). Cytogenetic location: 2q11.2.
Variant type: single nucleotide variant.
Coding change: c.704C>T on transcript NM_017849.4 (MANE Select); coding-DNA position 704, C replaced by T.
Protein change: p.Ala235Val; replaces alanine 235 with valine.
Molecular consequence: missense variant.
Genome position (GRCh38, 1-based): chr2:96,253,821, G>A on the plus strand (C>T on the coding strand, the complement: TMEM127 is on the minus strand). VCF-style: chr2-96253821-G-A. GRCh37 (hg19) VCF-style: chr2-96919559-G-A.
Other names: c.704C>T, p.Ala235Val (NM_001193304.3); c.452C>T, p.Ala151Val (NM_001407282.1, NM_001407283.1); short protein forms A235V, A151V.
Identifiers: ClinVar variation 4552164 (VCV004552164.2).

ClinVar aggregate classification (germline): Uncertain significance. Review status: criteria provided, multiple submitters, no conflicts (2 of 4 stars). 2 submissions from 2 submitters: Uncertain significance (2). Last evaluated 2025-11-19.

Conditions:
Hereditary pheochromocytoma and paraganglioma. Also called: Hereditary pheochromocytoma-paraganglioma; Hereditary Paraganglioma-Pheochromocytoma Syndromes; Hereditary paragangliomas and pheochromocytomas. Identifiers: Orphanet 29072, MedGen C4274332, MONDO:0017366.
Hereditary cancer-predisposing syndrome. Also called: Tumor predisposition; Neoplastic Syndromes, Hereditary; Hereditary neoplastic syndrome; Hereditary Cancer Syndrome. Identifiers: Orphanet 140162, MedGen C0027672, MeSH D009386, MONDO:0015356.

Submissions (2):

Ambry Genetics
Classification: Uncertain significance for Hereditary cancer-predisposing syndrome. Last evaluated: 2025-11-19. Review status: criteria provided, single submitter. Criteria: Ambry Variant Classification Scheme 2023. Collection method: clinical testing. Allele origin: germline.
Comment: The p.A235V variant (also known as c.704C>T), located in coding exon 3 of the TMEM127 gene, results from a C to T substitution at nucleotide position 704. The alanine at codon 235 is replaced by valine, an amino acid with similar properties. This amino acid position is conserved. In addition, this alteration is predicted to be deleterious by in silico analysis. Based on the available evidence, the clinical significance of this variant remains unclear.

Labcorp Genetics (formerly Invitae), Labcorp
Classification: Uncertain significance for Hereditary pheochromocytoma and paraganglioma. Last evaluated: 2025-05-18. Review status: criteria provided, single submitter. Criteria: Invitae Variant Classification Sherloc (09022015). Collection method: clinical testing. Allele origin: germline.
Comment: This sequence change replaces alanine, which is neutral and non-polar, with valine, which is neutral and non-polar, at codon 235 of the TMEM127 protein (p.Ala235Val). This variant is not present in population databases (gnomAD no frequency). This variant has not been reported in the literature in individuals affected with TMEM127-related conditions. An algorithm developed to predict the effect of missense changes on protein structure and function (PolyPhen-2) suggests that this variant is likely to be disruptive. In summary, the available evidence is currently insufficient to determine the role of this variant in disease. Therefore, it has been classified as a Variant of Uncertain Significance.